The following is an entry in ClinVar:

ClinVar aggregate classification (germline): Uncertain significance (1 of 4 stars; one submission).

gnomAD v4.1: 72 of 1,613,878 alleles (0.0045%); highest among the groups gnomAD compares: Non-Finnish European, 0.0058%; no homozygotes.

Submission:

Quest Diagnostics Nichols Institute San Juan Capistrano
Classification: Uncertain significance. Last evaluated: 2024-08-12. Review status: criteria provided, single submitter. Criteria: Quest Diagnostics criteria. Collection method: clinical testing. Allele origin: unknown.
Comment: The VWF c.6124G>A (p.Val2042Ile) variant has not been reported in individuals with VWF-related conditions in the published literature. The frequency of this variant in the general population, 0.000035 (4/113584 chromosomes (Genome Aggregation Database)), is uninformative in the assessment of its pathogenicity. Analysis of this variant using bioinformatics tools for the prediction of the effect of amino acid changes on protein structure and function yielded predictions that this variant is benign. Based on the available information, we are unable to determine the clinical significance of this variant.

NM_000552.5(VWF):c.6124G>A (p.Val2042Ile)

Gene: VWF (von Willebrand factor; minus strand). Cytogenetic location: 12p13.31.
Variant type: single nucleotide variant.
Coding change: c.6124G>A on transcript NM_000552.5 (MANE Select); coding-DNA position 6124, G replaced by A.
Protein change: p.Val2042Ile; replaces valine 2042 with isoleucine.
Molecular consequence: missense variant.
Genome position (GRCh38, 1-based): chr12:5,994,547, C>T on the plus strand (G>A on the coding strand, the complement: VWF is on the minus strand). VCF-style: chr12-5994547-C-T. GRCh37 (hg19) VCF-style: chr12-6103713-C-T.
Other names: short protein forms V2042I.
Identifiers: ClinVar variation 3572179 (VCV003572179.1).
Genomic context (GRCh38, chr12:5,994,547, plus strand): 5'-TGAATGTGAAGATGTGACCAAGGTGATTGAATCTGACCTCATGCATGATGGCACCATAAA[C>T]GTTGACTTCCATGTTCCCACCCACGTAAGGAACAGAGACCAGTCTCCCATTCACCGTCAC-3'
Protein context (NP_000543.3, residues 2032-2052): PYVGGNMEVN[Val2042Ile]YGAIMHEVRF